The following is an entry in ClinVar:

ClinVar aggregate classification (germline): Likely benign. Review status: criteria provided, single submitter (1 of 4 stars). 2 submissions from 2 submitters: Likely benign (1). 1 of the submissions does not count toward it. Last evaluated 2024-10-22.

Conditions:
UNC80-related disorder. Also called: UNC80-related condition.

gnomAD v4.1: 4 of 1,534,280 alleles (0.00026%); highest among the groups gnomAD compares: Admixed American, 0.002%; no homozygotes.

Submissions (2):

Labcorp Genetics (formerly Invitae), Labcorp
Classification: Likely benign. Last evaluated: 2024-10-22. Review status: criteria provided, single submitter. Criteria: Invitae Variant Classification Sherloc (09022015). Collection method: clinical testing. Allele origin: germline.

PreventionGenetics, part of Exact Sciences
Classification: Likely benign for UNC80-related condition. Last evaluated: 2022-10-24. Review status: no assertion criteria provided. Collection method: clinical testing. Allele origin: germline. Not counted in ClinVar's aggregate classification.
Comment: This variant is classified as likely benign based on ACMG/AMP sequence variant interpretation guidelines (Richards et al. 2015 PMID: 25741868, with internal and published modifications).

NM_001371986.1(UNC80):c.4890+7T>C

Gene: UNC80 (unc-80 subunit of NALCN channel complex; plus strand). Cytogenetic location: 2q34.
Variant type: single nucleotide variant.
Coding change: c.4890+7T>C on transcript NM_001371986.1 (MANE Select); 7 bases into the intron after coding-DNA position 4890, T replaced by C.
Molecular consequence: intron variant.
Genome position (GRCh38, 1-based): chr2:209,912,674, T>C. VCF-style: chr2-209912674-T-C. GRCh37 (hg19) VCF-style: chr2-210777398-T-C.
Other names: c.4692+7T>C (NM_032504.2, NM_032504.1); c.4677+7T>C (NM_182587.4).
Identifiers: ClinVar variation 1537828 (VCV001537828.10), dbSNP rs113342352, ClinGen allele CA764074834.